The following is an entry in ClinVar:

NM_000059.4(BRCA2):c.6757dup (p.Leu2253fs)

Gene: BRCA2 (BRCA2 DNA repair associated; plus strand). Cytogenetic location: 13q13.1.
Variant type: Duplication.
Coding change: c.6757dup on transcript NM_000059.4 (MANE Select); coding-DNA position 6757, one base duplicated (C; older notation c.6757dupC).
Protein change: p.Leu2253fs; shifts the reading frame from leucine 2253.
Molecular consequence: frameshift variant.
Genome position (GRCh38, 1-based): chr13:32,341,112, C duplicated. VCF-style (leftmost placement, unchanged base first): chr13-32341111-T-TC. GRCh37 (hg19) VCF-style: chr13-32915248-T-TC.
Other names: c.6757dupC (NM_000059.3); short protein forms L2253fs.
Identifiers: ClinVar variation 254589 (VCV000254589.4), dbSNP rs886038154, ClinGen allele CA10586563.

ClinVar aggregate classification (germline): Pathogenic (3 of 4 stars; one submission).

Conditions:
Breast-ovarian cancer, familial, susceptibility to, 2 (BROVCA2). Also called: BRCA2 Hereditary Breast and Ovarian Cancer. Identifiers: Orphanet 145, MedGen C2675520, MONDO:0012933, OMIM 612555. Disease mechanism: loss of function.

Submission:

Evidence-based Network for the Interpretation of Germline Mutant Alleles (ENIGMA)
Classification: Pathogenic for Breast-ovarian cancer, familial, susceptibility to, 2. Last evaluated: 2016-09-08. Review status: reviewed by expert panel. Criteria: ENIGMA BRCA1/2 Classification Criteria (2015). Collection method: curation. Allele origin: germline.
Comment: Variant allele predicted to encode a truncated non-functional protein.